The following is an entry in ClinVar:

NM_000138.5(FBN1):c.603G>A (p.Gly201=)

Gene: FBN1 (fibrillin 1; minus strand). Cytogenetic location: 15q21.1.
Variant type: single nucleotide variant.
Coding change: c.603G>A on transcript NM_000138.5 (MANE Select); coding-DNA position 603, G replaced by A.
Protein change: p.Gly201=; no amino-acid change (glycine 201 retained).
Molecular consequence: synonymous variant.
Genome position (GRCh38, 1-based): chr15:48,537,744, C>T on the plus strand (G>A on the coding strand, the complement: FBN1 is on the minus strand). VCF-style: chr15-48537744-C-T. GRCh37 (hg19) VCF-style: chr15-48829941-C-T.
Other names: c.603G>A, p.Gly201= (NM_001406716.1, NM_001406717.1).
Identifiers: ClinVar variation 2627179 (VCV002627179.1), dbSNP rs2505661488, ClinGen allele CA490090155.

ClinVar aggregate classification (germline): Likely benign (1 of 4 stars; one submission).

Submission:

Women's Health and Genetics/Laboratory Corporation of America, LabCorp
Classification: Likely benign. Last evaluated: 2023-09-11. Review status: criteria provided, single submitter. Criteria: LabCorp Variant Classification Summary - May 2015. Collection method: clinical testing. Allele origin: germline.
Comment: Variant summary: FBN1 c.603G>A alters a non-conserved nucleotide resulting in a synonymous change. Consensus agreement among computation tools predict no significant impact on normal splicing. However, these predictions have yet to be confirmed by functional studies. The variant was absent in 251440 control chromosomes (gnomAD). The available data on variant occurrences in the general population are insufficient to allow any conclusion about variant significance. To our knowledge, no occurrence of c.603G>A in individuals affected with Marfan Syndrome and no experimental evidence demonstrating its impact on protein function have been reported. No submitters have reported clinical-significance assessments for this variant to ClinVar after 2014. Based on the evidence outlined above, the variant was classified as likely benign.